The following is an entry in ClinVar:

ClinVar aggregate classification (germline): Uncertain significance (1 of 4 stars; one submission).

Conditions:
Inborn genetic diseases. Identifiers: MedGen C0950123, MeSH D030342.

Allele frequency attached by ClinVar (database versions not stated): TOPMed below 0.00001.

Submission:

Ambry Genetics
Classification: Uncertain significance for Inborn genetic diseases. Last evaluated: 2023-11-29. Review status: criteria provided, single submitter. Criteria: Ambry Variant Classification Scheme 2023. Collection method: clinical testing. Allele origin: germline.
Comment: The p.D439G variant (also known as c.1316A>G), located in coding exon 14 of the ERCC2 gene, results from an A to G substitution at nucleotide position 1316. The aspartic acid at codon 439 is replaced by glycine, an amino acid with similar properties. This amino acid position is conserved. In addition, this alteration is predicted to be deleterious by in silico analysis. Since supporting evidence is limited at this time, the clinical significance of this alteration remains unclear.

NM_000400.4(ERCC2):c.1316A>G (p.Asp439Gly)

Gene: ERCC2 (ERCC excision repair 2, TFIIH core complex helicase subunit; minus strand). Cytogenetic location: 19q13.32.
Variant type: single nucleotide variant.
Coding change: c.1316A>G on transcript NM_000400.4 (MANE Select); coding-DNA position 1316, A replaced by G.
Protein change: p.Asp439Gly; replaces aspartic acid 439 with glycine.
Molecular consequence: missense variant.
Genome position (GRCh38, 1-based): chr19:45,357,535, T>C on the plus strand (A>G on the coding strand, the complement: ERCC2 is on the minus strand). VCF-style: chr19-45357535-T-C. GRCh37 (hg19) VCF-style: chr19-45860793-T-C.
Other names: short protein forms D439G.
Identifiers: ClinVar variation 3231633 (VCV003231633.1), dbSNP rs1972054066, ClinGen allele CA406367706.